The following is an entry in ClinVar:

NM_005005.3(NDUFB9):c.130A>C (p.Met44Leu)

Gene: NDUFB9 (NADH:ubiquinone oxidoreductase subunit B9; plus strand). Cytogenetic location: 8q24.13.
Variant type: single nucleotide variant.
Coding change: c.130A>C on transcript NM_005005.3 (MANE Select); coding-DNA position 130, A replaced by C.
Protein change: p.Met44Leu; replaces methionine 44 with leucine.
Molecular consequence: missense variant. On other transcripts: initiator codon variant (1), intron variant (2).
Genome position (GRCh38, 1-based): chr8:124,543,115, A>C. VCF-style: chr8-124543115-A-C. GRCh37 (hg19) VCF-style: chr8-125555356-A-C.
Other names: c.1A>C, p.Met1Leu (NM_001278646.2); c.102-5A>C (NM_001311168.2); c.-32-7A>C (NM_001278645.2); short protein forms M44L, M1L.
Identifiers: ClinVar variation 3652060 (VCV003652060.2).

ClinVar aggregate classification (germline): Uncertain significance (1 of 4 stars; one submission).

gnomAD v4.1: 73 of 1,614,088 alleles (0.0045%); highest among the groups gnomAD compares: Non-Finnish European, 0.006%; no homozygotes.

Submission:

Labcorp Genetics (formerly Invitae), Labcorp
Classification: Uncertain significance. Last evaluated: 2024-06-26. Review status: criteria provided, single submitter. Criteria: Invitae Variant Classification Sherloc (09022015). Collection method: clinical testing. Allele origin: germline.
Comment: This sequence change replaces methionine, which is neutral and non-polar, with leucine, which is neutral and non-polar, at codon 44 of the NDUFB9 protein (p.Met44Leu). This variant is present in population databases (rs200794750, gnomAD 0.01%). This variant has not been reported in the literature in individuals affected with NDUFB9-related conditions. Algorithms developed to predict the effect of missense changes on protein structure and function output the following: SIFT: "Not Available"; PolyPhen-2: "Benign"; Align-GVGD: "Not Available". The leucine amino acid residue is found in multiple mammalian species, which suggests that this missense change does not adversely affect protein function. In summary, the available evidence is currently insufficient to determine the role of this variant in disease. Therefore, it has been classified as a Variant of Uncertain Significance.